The following is an entry in ClinVar:

ClinVar aggregate classification (germline): Uncertain significance (1 of 4 stars; one submission).

Conditions:
Infantile-onset ascending hereditary spastic paralysis (IAHSP). Also called: Infantile-Onset Ascending Hereditary Spastic Paralysis (IAHSP); Autosomal Recessive Juvenile Amyotrophic Lateral Sclerosis. Identifiers: Orphanet 293168, MedGen C2931441, MONDO:0011797, OMIM 607225. Disease mechanism: loss of function.

Allele frequency attached by ClinVar (database versions not stated): gnomAD 0.00001.
gnomAD v4.1: 1 of 1,613,834 alleles (0.000062%); highest among the groups gnomAD compares: Non-Finnish European, 0.000085%; no homozygotes.

Submission:

Labcorp Genetics (formerly Invitae), Labcorp
Classification: Uncertain significance for Infantile-onset ascending hereditary spastic paralysis. Last evaluated: 2021-12-24. Review status: criteria provided, single submitter. Criteria: Invitae Variant Classification Sherloc (09022015). Collection method: clinical testing. Allele origin: germline.
Comment: This sequence change replaces leucine, which is neutral and non-polar, with phenylalanine, which is neutral and non-polar, at codon 1523 of the ALS2 protein (p.Leu1523Phe). This variant is not present in population databases (gnomAD no frequency). This variant has not been reported in the literature in individuals affected with ALS2-related conditions. Algorithms developed to predict the effect of missense changes on protein structure and function are either unavailable or do not agree on the potential impact of this missense change (SIFT: "Deleterious"; PolyPhen-2: "Probably Damaging"; Align-GVGD: "Class C0"). In summary, the available evidence is currently insufficient to determine the role of this variant in disease. Therefore, it has been classified as a Variant of Uncertain Significance.

NM_020919.4(ALS2):c.4567C>T (p.Leu1523Phe)

Gene: ALS2 (alsin Rho guanine nucleotide exchange factor ALS2; minus strand). Cytogenetic location: 2q33.1.
Variant type: single nucleotide variant.
Coding change: c.4567C>T on transcript NM_020919.4 (MANE Select); coding-DNA position 4567, C replaced by T.
Protein change: p.Leu1523Phe; replaces leucine 1523 with phenylalanine.
Molecular consequence: missense variant.
Genome position (GRCh38, 1-based): chr2:201,706,859, G>A on the plus strand (C>T on the coding strand, the complement: ALS2 is on the minus strand). VCF-style: chr2-201706859-G-A. GRCh37 (hg19) VCF-style: chr2-202571582-G-A.
Other names: c.4564C>T, p.Leu1522Phe (NM_001410975.1); short protein forms L1522F, L1523F.
Identifiers: ClinVar variation 2416585 (VCV002416585.3), dbSNP rs1233972840, ClinGen allele CA350321931.